The following is an entry in ClinVar:

ClinVar aggregate classification (germline): Likely benign. Review status: criteria provided, multiple submitters, no conflicts (2 of 4 stars). 2 submissions from 2 submitters: Likely benign (2). Last evaluated 2024-03-12.

Conditions:
Neuronal ceroid lipofuscinosis. Also called: Neuronal Ceroid Lipofuscinoses. Identifiers: Orphanet 216, Orphanet 79263, MedGen C0027877, MONDO:0016295. Disease mechanism: loss of function.

Allele frequency attached by ClinVar (database versions not stated): gnomAD exomes 0.00002; ExAC 0.00004.
gnomAD v4.1: 8 of 1,537,130 alleles (0.00052%); highest among the groups gnomAD compares: South Asian, 0.0083%; no homozygotes.

Submissions (2):

Labcorp Genetics (formerly Invitae), Labcorp
Classification: Likely benign for Neuronal ceroid lipofuscinosis. Last evaluated: 2024-03-12. Review status: criteria provided, single submitter. Criteria: Invitae Variant Classification Sherloc (09022015). Collection method: clinical testing. Allele origin: germline.

GeneDx
Classification: Likely benign. Last evaluated: 2015-10-16. Review status: criteria provided, single submitter. Criteria: GeneDx Variant Classification (06012015). Collection method: clinical testing. Allele origin: germline. Affected: yes.
Comment: This variant is considered likely benign or benign based on one or more of the following criteria: it is a conservative change, it occurs at a poorly conserved position in the protein, it is predicted to be benign by multiple in silico algorithms, and/or has population frequency not consistent with disease.

NM_006493.4(CLN5):c.173+16C>A

Genes: CLN5 (CLN5 lysosomal BMP synthase; plus strand), LOC130009913 (ATAC-STARR-seq lymphoblastoid silent region 5414; plus strand). Cytogenetic location: 13q22.3.
Variant type: single nucleotide variant.
Coding change: c.173+16C>A on transcript NM_006493.4 (MANE Select); 16 bases into the intron after coding-DNA position 173, C replaced by A.
Molecular consequence: intron variant.
Genome position (GRCh38, 1-based): chr13:76,992,287, C>A. VCF-style: chr13-76992287-C-A. GRCh37 (hg19) VCF-style: chr13-77566422-C-A.
Other names: c.320+16C>A (LRG_692t1); c.173+16C>A (NM_001366624.2).
Identifiers: ClinVar variation 381120 (VCV000381120.4), dbSNP rs780975343, ClinGen allele CA7007148.